The following is an entry in ClinVar:

ClinVar aggregate classification (germline): Uncertain significance (1 of 4 stars; one submission).

Allele frequency attached by ClinVar (database versions not stated): gnomAD 0.00001 and 0.00002; gnomAD exomes 0.00001 and 0.00004; TOPMed 0.00002; ExAC 0.00004; 1000 Genomes Project 30x 0.00016; 1000 Genomes Project 0.00020.
gnomAD v4.1: 13 of 1,611,368 alleles (0.00081%); highest among the groups gnomAD compares: East Asian, 0.022%; no homozygotes.

Submission:

Labcorp Genetics (formerly Invitae), Labcorp
Classification: Uncertain significance. Last evaluated: 2020-12-08. Review status: criteria provided, single submitter. Criteria: Invitae Variant Classification Sherloc (09022015). Collection method: clinical testing. Allele origin: germline.
Comment: This sequence change falls in intron 8 of the PDE6A gene. It does not directly change the encoded amino acid sequence of the PDE6A protein. It affects a nucleotide within the consensus splice site of the intron. This variant is present in population databases (rs539563649, ExAC 0.06%). This variant has not been reported in the literature in individuals with PDE6A-related conditions. Nucleotide substitutions within the consensus splice site are a relatively common cause of aberrant splicing (PMID: 17576681, 9536098). Algorithms developed to predict the effect of sequence changes on RNA splicing suggest that this variant may disrupt the consensus splice site, but this prediction has not been confirmed by published transcriptional studies. In summary, the available evidence is currently insufficient to determine the role of this variant in disease. Therefore, it has been classified as a Variant of Uncertain Significance.

Literature cited by the submitters: PubMed 17576681; PubMed 9536098.

NM_000440.3(PDE6A):c.1113+5G>A

Gene: PDE6A (phosphodiesterase 6A; minus strand). Cytogenetic location: 5q32.
Variant type: single nucleotide variant.
Coding change: c.1113+5G>A on transcript NM_000440.3 (MANE Select); 5 bases into the intron after coding-DNA position 1113, G replaced by A.
Molecular consequence: intron variant.
Genome position (GRCh38, 1-based): chr5:149,903,643, C>T on the plus strand (G>A on the coding strand, the complement: PDE6A is on the minus strand). VCF-style: chr5-149903643-C-T. GRCh37 (hg19) VCF-style: chr5-149283206-C-T.
Identifiers: ClinVar variation 1438331 (VCV001438331.6), dbSNP rs539563649, ClinGen allele CA3504785.
Genomic context (GRCh38, chr5:149,903,643, plus strand): 5'-TTCTAATGCTCTTTGGGGAGGAAAAAAAATCATATGACTAAGACTGCAAATAAAAAATGA[C>T]TTACCTGAAATGCAAAAAAGTCCTCCGCAGGCGCATTCATGATGTTGCAAATCTGAGAGC-3'